The following is an entry in ClinVar:

NM_000996.4(RPL35A):c.158C>G (p.Ala53Gly)

Genes: DRC9 (dynein regulatory complex subunit 9; minus strand), RPL35A (ribosomal protein L35a; plus strand). Cytogenetic location: 3q29.
Variant type: single nucleotide variant.
Coding change: c.158C>G on transcript NM_000996.4 (MANE Select); coding-DNA position 158, C replaced by G.
Protein change: p.Ala53Gly; replaces alanine 53 with glycine.
Molecular consequence: missense variant. On other transcripts: intron variant (3).
Genome position (GRCh38, 1-based): chr3:197,951,305, C>G. VCF-style: chr3-197951305-C-G. GRCh37 (hg19) VCF-style: chr3-197678176-C-G.
Other names: c.158C>G, p.Ala53Gly (NM_001316311.2); c.-49-7254G>C (NM_001323028.2); c.-59-5619G>C (NM_032263.5); c.-374-5619G>C (NM_001323029.2); short protein forms A53G.
Identifiers: ClinVar variation 2173792 (VCV002173792.4), dbSNP rs377001916, ClinGen allele CA2789172.
Genomic context (GRCh38, chr3:197,951,305, plus strand): 5'-TTTACGCCCGAGATGAAACAGAATTCTATTTGGGCAAGAGATGCGCTTATGTATATAAAG[C>G]AAAGAAGTAAGTTTATGACACTGGTAGGTTTTGGGTTTTTGAGATCTGCCTCATTTTCTT-3'
Protein context (NP_000987.2, residues 43-63): LGKRCAYVYK[Ala53Gly]KNNTVTPGGK

ClinVar aggregate classification (germline): Uncertain significance (1 of 4 stars; one submission).

Conditions:
Diamond-Blackfan anemia 5 (DBA5). Also called: RPL35A-Related Diamond-Blackfan Anemia. Identifiers: Orphanet 124, MedGen C2675859, MONDO:0012925, OMIM 612528.

Allele frequency attached by ClinVar (database versions not stated): ExAC 0.00002; gnomAD exomes 0.00002; TOPMed 0.00002; gnomAD 0.00003; ESP Exome Variant Server 0.00008.
gnomAD v4.1: 31 of 1,613,866 alleles (0.0019%); highest among the groups gnomAD compares: Non-Finnish European, 0.0024%; no homozygotes.

Submission:

Labcorp Genetics (formerly Invitae), Labcorp
Classification: Uncertain significance for Diamond-Blackfan anemia 5. Last evaluated: 2025-01-20. Review status: criteria provided, single submitter. Criteria: Invitae Variant Classification Sherloc (09022015). Collection method: clinical testing. Allele origin: germline.
Comment: This sequence change replaces alanine, which is neutral and non-polar, with glycine, which is neutral and non-polar, at codon 53 of the RPL35A protein (p.Ala53Gly). This variant is present in population databases (rs377001916, gnomAD 0.004%). This variant has not been reported in the literature in individuals affected with RPL35A-related conditions. ClinVar contains an entry for this variant (Variation ID: 2173792). An algorithm developed to predict the effect of missense changes on protein structure and function (PolyPhen-2) suggests that this variant is likely to be tolerated. In summary, the available evidence is currently insufficient to determine the role of this variant in disease. Therefore, it has been classified as a Variant of Uncertain Significance.